The following is an entry in ClinVar:

NM_000455.5(STK11):c.609G>A (p.Pro203=)

Gene: STK11 (serine/threonine kinase 11; plus strand). Cytogenetic location: 19p13.3.
Variant type: single nucleotide variant.
Coding change: c.609G>A on transcript NM_000455.5 (MANE Select); coding-DNA position 609, G replaced by A.
Protein change: p.Pro203=; no amino-acid change (proline 203 retained).
Molecular consequence: synonymous variant.
Genome position (GRCh38, 1-based): chr19:1,220,592, G>A. VCF-style: chr19-1220592-G-A. GRCh37 (hg19) VCF-style: chr19-1220591-G-A.
Identifiers: ClinVar variation 184025 (VCV000184025.22), dbSNP rs786201228, ClinGen allele CA023134.
Genomic context (GRCh38, chr19:1,220,592, plus strand): 5'-GGGCGCCCCCTCCCGGGCACTCCCTGAGGGCTGCACGGCACCGCCACAGGCACTGCACCC[G>A]TTCGCGGCGGACGACACCTGCCGGACCAGCCAGGGCTCCCCGGCTTTCCAGCCGCCCGAG-3'
Protein context (NP_000446.1, residues 193-213): SDLGVAEALH[Pro203=]FAADDTCRTS

ClinVar aggregate classification (germline): Benign/Likely benign. Review status: criteria provided, multiple submitters, no conflicts (2 of 4 stars). 6 submissions from 6 submitters: Benign (1); Likely benign (5). Last evaluated 2025-11-17.

Conditions:
Hereditary cancer-predisposing syndrome. Also called: Tumor predisposition; Neoplastic Syndromes, Hereditary; Hereditary neoplastic syndrome; Hereditary Cancer Syndrome. Identifiers: Orphanet 140162, MedGen C0027672, MeSH D009386, MONDO:0015356.
Peutz-Jeghers syndrome (PJS). Also called: POLYPOSIS, HAMARTOMATOUS INTESTINAL; POLYPS-AND-SPOTS SYNDROME; Peutz-Jeghers polyposis; Periorificial lentiginosis syndrome. Identifiers: Orphanet 2869, MedGen C0031269, MeSH D010580, MONDO:0008280, OMIM 175200.

Allele frequency attached by ClinVar (database versions not stated): TOPMed below 0.00001; gnomAD 0.00001.
gnomAD v4.1: 7 of 1,587,418 alleles (0.00044%); highest among the groups gnomAD compares: South Asian, 0.0023%; no homozygotes.

Submissions (6):

Labcorp Genetics (formerly Invitae), Labcorp
Classification: Likely benign for Peutz-Jeghers syndrome. Last evaluated: 2025-11-17. Review status: criteria provided, single submitter. Criteria: Invitae Variant Classification Sherloc (09022015). Collection method: clinical testing. Allele origin: germline.

Myriad Genetics, Inc.
Classification: Benign for Peutz-Jeghers syndrome. Last evaluated: 2025-03-26. Review status: criteria provided, single submitter. Criteria: Myriad Autosomal Dominant, Autosomal Recessive and X-Linked Classification Criteria (2023). Collection method: clinical testing. Allele origin: unknown.
Comment: This variant is considered benign. This variant is a silent/synonymous amino acid change and it is not expected to impact splicing.

All of Us Research Program, National Institutes of Health
Classification: Likely benign for Peutz-Jeghers syndrome. Last evaluated: 2024-07-20. Review status: criteria provided, single submitter. Criteria: ACMG Guidelines, 2015. Collection method: clinical testing. Allele origin: germline. Inheritance: Autosomal dominant inheritance. Observed: 2 variant alleles, 2 heterozygotes.
Comment: This study involves interpretation of variants in research participants for the purpose of population health screening. Participant phenotype was not available at the time of variant classification. Additional details can be found in publication PMID: 35346344, PMCID: PMC8962531

Blueprint Genetics
Classification: Likely benign. Last evaluated: 2023-09-05. Review status: criteria provided, single submitter. Criteria: ACMG Guidelines, 2015. Collection method: clinical testing. Allele origin: germline.

Color Diagnostics, LLC DBA Color Health
Classification: Likely benign for Hereditary cancer-predisposing syndrome. Last evaluated: 2018-11-26. Review status: criteria provided, single submitter. Criteria: ACMG Guidelines, 2015. Collection method: clinical testing. Allele origin: germline.

Ambry Genetics
Classification: Likely benign for Hereditary cancer-predisposing syndrome. Last evaluated: 2014-08-08. Review status: criteria provided, single submitter. Criteria: Ambry Variant Classification Scheme 2023. Collection method: clinical testing. Allele origin: germline.